The following is an entry in ClinVar:

ClinVar aggregate classification (germline): Uncertain significance (1 of 4 stars; one submission).

Submission:

Labcorp Genetics (formerly Invitae), Labcorp
Classification: Uncertain significance. Last evaluated: 2025-09-20. Review status: criteria provided, single submitter. Criteria: Invitae Variant Classification Sherloc (09022015). Collection method: clinical testing. Allele origin: germline.
Comment: This sequence change replaces leucine, which is neutral and non-polar, with arginine, which is basic and polar, at codon 548 of the ITSN1 protein (p.Leu548Arg). This variant is not present in population databases (gnomAD no frequency). This variant has not been reported in the literature in individuals affected with ITSN1-related conditions. An algorithm developed to predict the effect of missense changes on protein structure and function (PolyPhen-2) suggests that this variant is likely to be disruptive. In summary, the available evidence is currently insufficient to determine the role of this variant in disease. Therefore, it has been classified as a Variant of Uncertain Significance.

NM_003024.3(ITSN1):c.1643T>G (p.Leu548Arg)

Gene: ITSN1 (intersectin 1; plus strand). Cytogenetic location: 21q22.11.
Variant type: single nucleotide variant.
Coding change: c.1643T>G on transcript NM_003024.3 (MANE Select); coding-DNA position 1643, T replaced by G.
Protein change: p.Leu548Arg; replaces leucine 548 with arginine.
Molecular consequence: missense variant.
Genome position (GRCh38, 1-based): chr21:33,781,507, T>G. VCF-style: chr21-33781507-T-G. GRCh37 (hg19) VCF-style: chr21-35153811-T-G.
Other names: c.1643T>G, p.Leu548Arg (NM_001001132.2, NM_001331008.2, NM_001331009.2 and 2 more transcripts); c.1532T>G, p.Leu511Arg (NM_001331012.2); short protein forms L548R, L511R.
Identifiers: ClinVar variation 4727464 (VCV004727464.1).
Genomic context (GRCh38, chr21:33,781,507, plus strand): 5'-TCCTTCCTTCCCAGGAATCTCAGCAAATGCTTGGAAGACTTATTCCAGAAAAACAGATAC[T>G]CAATGACCAATTAAAACAAGTTCAGCAGAACAGTTTGCACAGTAGGTGTTTTATTTTTAA-3'
Protein context (NP_003015.2, residues 538-558): LGRLIPEKQI[Leu548Arg]NDQLKQVQQN